The following is an entry in ClinVar:

NM_000466.3(PEX1):c.1342C>T (p.Gln448Ter)

Gene: PEX1 (peroxisomal biogenesis factor 1; minus strand). Cytogenetic location: 7q21.2.
Variant type: single nucleotide variant.
Coding change: c.1342C>T on transcript NM_000466.3 (MANE Select); coding-DNA position 1342, C replaced by T.
Protein change: p.Gln448Ter; replaces glutamine 448 with a stop codon.
Molecular consequence: nonsense.
Genome position (GRCh38, 1-based): chr7:92,513,865, G>A on the plus strand (C>T on the coding strand, the complement: PEX1 is on the minus strand). VCF-style: chr7-92513865-G-A. GRCh37 (hg19) VCF-style: chr7-92143179-G-A.
Other names: c.1342C>T, p.Gln448Ter (NM_001282677.2); c.718C>T, p.Gln240Ter (NM_001282678.2); short protein forms Q240*, Q448*.
Identifiers: ClinVar variation 1456289 (VCV001456289.7), dbSNP rs1467651370, ClinGen allele CA368192431.
Genomic context (GRCh38, chr7:92,513,865, plus strand): 5'-ACGTGTAAAAGAATTTTGATGTAACATATATATTTGAACTCACTAAATTCTCTCTAGGTT[G>A]TAACTTTAGAGATCTTGGAATTTTAGGGGTAACTTCCACTGGAGTTATCCTGACTACGGC-3'

ClinVar aggregate classification (germline): Pathogenic/Likely pathogenic. Review status: criteria provided, multiple submitters, no conflicts (2 of 4 stars). 2 submissions from 2 submitters: Pathogenic (1); Likely pathogenic (1). Last evaluated 2024-01-14.

Conditions:
Zellweger spectrum disorders (ZS). Also called: Zellweger syndrome; Zellweger Spectrum Disorder; Zellweger Spectrum; Zellweger Spectrum Disorder (ZSD). Identifiers: Orphanet 912, MedGen C0043459, MONDO:0019609.
Heimler syndrome 1 (HMLR1). Also called: PEROXISOME BIOGENESIS DISORDER 1C. Identifiers: Orphanet 3220, MedGen C4551980, OMIM 234580, MONDO:0024544.

Submissions (2):

Labcorp Genetics (formerly Invitae), Labcorp
Classification: Pathogenic for Zellweger spectrum disorders. Last evaluated: 2024-01-14. Review status: criteria provided, single submitter. Criteria: Invitae Variant Classification Sherloc (09022015). Collection method: clinical testing. Allele origin: germline.
Comment: This sequence change creates a premature translational stop signal (p.Gln448*) in the PEX1 gene. It is expected to result in an absent or disrupted protein product. Loss-of-function variants in PEX1 are known to be pathogenic (PMID: 21031596, 26387595, 31831025). This variant is not present in population databases (gnomAD no frequency). This variant has not been reported in the literature in individuals affected with PEX1-related conditions. ClinVar contains an entry for this variant (Variation ID: 1456289). Algorithms developed to predict the effect of sequence changes on RNA splicing suggest that this variant may disrupt the consensus splice site. For these reasons, this variant has been classified as Pathogenic.

Baylor Genetics
Classification: Likely pathogenic for Heimler syndrome 1. Last evaluated: 2022-06-15. Review status: criteria provided, single submitter. Criteria: ACMG Guidelines, 2015. Collection method: clinical testing. Allele origin: unknown.

Literature cited by the submitters: PubMed 21031596 (cited by Labcorp Genetics (formerly Invitae), Labcorp); PubMed 26387595 (cited by Labcorp Genetics (formerly Invitae), Labcorp); PubMed 31831025 (cited by Labcorp Genetics (formerly Invitae), Labcorp).